The following is an entry in ClinVar:

ClinVar aggregate classification (germline): Benign. Review status: criteria provided, multiple submitters, no conflicts (2 of 4 stars). 2 submissions from 2 submitters: Benign (2). Last evaluated 2018-06-19.

Allele frequency attached by ClinVar (database versions not stated): 1000 Genomes Project 0.14896; 1000 Genomes Project 30x 0.15443; TOPMed 0.22180.
gnomAD v4.1: 260,756 of 1,068,454 alleles (24%); highest among the groups gnomAD compares: Non-Finnish European, 26%; 32,975 homozygotes.

Submissions (2):

GeneDx
Classification: Benign. Last evaluated: 2018-06-19. Review status: criteria provided, single submitter. Criteria: GeneDx Variant Classification (06012015). Collection method: clinical testing. Allele origin: germline. Affected: yes.
Comment: This variant is considered likely benign or benign based on one or more of the following criteria: it is a conservative change, it occurs at a poorly conserved position in the protein, it is predicted to be benign by multiple in silico algorithms, and/or has population frequency not consistent with disease.

Breakthrough Genomics
Classification: Benign. Review status: criteria provided, single submitter. Criteria: ACMG Guidelines, 2015. Collection method: not provided. Allele origin: germline. Inheritance: Autosomal dominant inheritance. Affected: yes.

NM_001083962.2(TCF4):c.146-46693C>T

Gene: TCF4 (transcription factor 4; minus strand). Cytogenetic location: 18q21.2.
Variant type: single nucleotide variant.
Coding change: c.146-46693C>T on transcript NM_001083962.2 (MANE Select); 46693 bases into the intron before coding-DNA position 146, C replaced by T.
Molecular consequence: intron variant.
Genome position (GRCh38, 1-based): chr18:55,510,830, G>A on the plus strand (C>T on the coding strand, the complement: TCF4 is on the minus strand). VCF-style: chr18-55510830-G-A. GRCh37 (hg19) VCF-style: chr18-53178061-G-A.
Other names: c.452-46693C>T (NM_001243226.3); c.74-46693C>T (NM_001369584.1, NM_001369576.1, NM_001369577.1 and 15 more transcripts); c.146-46693C>T (NM_001369571.1, NM_001369567.1, NM_001243228.2 and 8 more transcripts); c.140-46693C>T (NM_001243230.2).
Identifiers: ClinVar variation 674955 (VCV000674955.2), dbSNP rs67387556, ClinGen allele CA14518489.